The following is an entry in ClinVar:

ClinVar aggregate classification (germline): Likely pathogenic (1 of 4 stars; one submission).

Submission:

Labcorp Genetics (formerly Invitae), Labcorp
Classification: Likely pathogenic. Last evaluated: 2021-10-06. Review status: criteria provided, single submitter. Criteria: Invitae Variant Classification Sherloc (09022015). Collection method: clinical testing. Allele origin: germline.
Comment: This sequence change replaces isoleucine with phenylalanine at codon 197 of the FH protein (p.Ile197Phe). The isoleucine residue is highly conserved and there is a small physicochemical difference between isoleucine and phenylalanine. In summary, the currently available evidence indicates that the variant is pathogenic, but additional data are needed to prove that conclusively. Therefore, this variant has been classified as Likely Pathogenic. Advanced modeling of protein sequence and biophysical properties (such as structural, functional, and spatial information, amino acid conservation, physicochemical variation, residue mobility, and thermodynamic stability) performed at Invitae indicates that this missense variant is expected to disrupt FH protein function. This missense change has been observed in individual(s) with clinical features of hereditary leiomyomatosis and renal cell cancer (PMID: 30785029; Invitae). This variant is not present in population databases (ExAC no frequency).

Literature cited by the submitters: PubMed 30785029.

NM_000143.4(FH):c.589A>T (p.Ile197Phe)

Gene: FH (fumarate hydratase; minus strand). Cytogenetic location: 1q43.
Variant type: single nucleotide variant.
Coding change: c.589A>T on transcript NM_000143.4 (MANE Select); coding-DNA position 589, A replaced by T.
Protein change: p.Ile197Phe; replaces isoleucine 197 with phenylalanine.
Molecular consequence: missense variant.
Genome position (GRCh38, 1-based): chr1:241,508,752, T>A on the plus strand (A>T on the coding strand, the complement: FH is on the minus strand). VCF-style: chr1-241508752-T-A. GRCh37 (hg19) VCF-style: chr1-241672052-T-A.
Other names: short protein forms I197F.
Identifiers: ClinVar variation 1468662 (VCV001468662.6), dbSNP rs201764931, ClinGen allele CA345439440.